The following is an entry in ClinVar:

ClinVar aggregate classification (germline): Uncertain significance (1 of 4 stars; one submission).

Allele frequency attached by ClinVar (database versions not stated): gnomAD 0.00001; gnomAD exomes 0.00001; TOPMed 0.00002; ExAC 0.00001.
gnomAD v4.1: 12 of 1,612,554 alleles (0.00074%); highest among the groups gnomAD compares: African/African-American, 0.0027%; no homozygotes.

Submission:

Labcorp Genetics (formerly Invitae), Labcorp
Classification: Uncertain significance. Last evaluated: 2025-10-06. Review status: criteria provided, single submitter. Criteria: Invitae Variant Classification Sherloc (09022015). Collection method: clinical testing. Allele origin: germline.
Comment: This sequence change replaces isoleucine, which is neutral and non-polar, with valine, which is neutral and non-polar, at codon 292 of the NT5C3A protein (p.Ile292Val). This variant is present in population databases (rs563703074, gnomAD 0.002%). This variant has not been reported in the literature in individuals affected with NT5C3A-related conditions. ClinVar contains an entry for this variant (Variation ID: 1918824). Invitae Evidence Modeling of protein sequence and biophysical properties (such as structural, functional, and spatial information, amino acid conservation, physicochemical variation, residue mobility, and thermodynamic stability) indicates that this missense variant is not expected to disrupt NT5C3A protein function with a negative predictive value of 80%. In summary, the available evidence is currently insufficient to determine the role of this variant in disease. Therefore, it has been classified as a Variant of Uncertain Significance.

NM_001002010.5(NT5C3A):c.976A>G (p.Ile326Val)

Gene: NT5C3A (5'-nucleotidase, cytosolic IIIA; minus strand). Cytogenetic location: 7p14.3.
Variant type: single nucleotide variant.
Coding change: c.976A>G on transcript NM_001002010.5 (MANE Select); coding-DNA position 976, A replaced by G.
Protein change: p.Ile326Val; replaces isoleucine 326 with valine.
Molecular consequence: missense variant.
Genome position (GRCh38, 1-based): chr7:33,014,750, T>C on the plus strand (A>G on the coding strand, the complement: NT5C3A is on the minus strand). VCF-style: chr7-33014750-T-C. GRCh37 (hg19) VCF-style: chr7-33054362-T-C.
Other names: c.874A>G, p.Ile292Val (NM_001002009.3, NM_016489.14); c.838A>G, p.Ile280Val (NM_001166118.3, NM_001356996.3, NM_001374336.1 and 1 more transcripts); c.877A>G, p.Ile293Val (NM_001374335.1); c.775A>G, p.Ile259Val (NM_001374338.1, NM_001374339.1); short protein forms I259V, I293V, I280V, I292V, I326V.
Identifiers: ClinVar variation 1918824 (VCV001918824.5), dbSNP rs563703074, ClinGen allele CA4213267.
Genomic context (GRCh38, chr7:33,014,750, plus strand): 5'-TTGCACCCACAGGAGAGAGGTCTTCTTGGAGAATGCTTGTTTATAGAATCTTCTGTAAAA[T>C]AGAGTTGGCTACTTCTAATGATTCATCTTGTACTAAAACAATATCATAAGAGTCCATGTA-3'
Protein context (NP_001002010.2, residues 316-331): QDESLEVANS[Ile326Val]LQKIL